The following is an entry in ClinVar:

NM_002691.4(POLD1):c.173T>A (p.Leu58Gln)

Gene: POLD1 (DNA polymerase delta 1, catalytic subunit; plus strand). Cytogenetic location: 19q13.33.
Variant type: single nucleotide variant.
Coding change: c.173T>A on transcript NM_002691.4 (MANE Select); coding-DNA position 173, T replaced by A.
Protein change: p.Leu58Gln; replaces leucine 58 with glutamine.
Molecular consequence: missense variant. On other transcripts: non-coding transcript variant (1).
Genome position (GRCh38, 1-based): chr19:50,399,024, T>A. VCF-style: chr19-50399024-T-A. GRCh37 (hg19) VCF-style: chr19-50902281-T-A.
Other names: c.173T>A, p.Leu58Gln (NM_001256849.1, NM_001308632.1); c.173T>A (NM_002691.2); short protein forms L58Q.
Identifiers: ClinVar variation 2822726 (VCV002822726.5), dbSNP rs2513933516, ClinGen allele CA406970309.

ClinVar aggregate classification (germline): Conflicting classifications of pathogenicity. Review status: criteria provided, conflicting classifications (1 of 4 stars). 2 submissions from 2 submitters: Uncertain significance (1); Likely benign (1). Last evaluated 2026-01-26.

Conditions:
POLD1-related polyposis and colorectal cancer syndrome (CRCS10). Also called: Colorectal cancer 10; COLORECTAL CANCER, SUSCEPTIBILITY TO, ON CHROMOSOME 19q; Colorectal cancer, susceptibility to, 10. Identifiers: Orphanet 220460, MedGen C2675481, MONDO:0012953, OMIM 612591.
Hereditary cancer-predisposing syndrome. Also called: Neoplastic Syndromes, Hereditary; Tumor predisposition; Hereditary Cancer Syndrome; Hereditary neoplastic syndrome. Identifiers: Orphanet 140162, MedGen C0027672, MeSH D009386, MONDO:0015356.

Allele frequency attached by ClinVar (database versions not stated): gnomAD exomes below 0.00001.
gnomAD v4.1: 1 of 1,557,996 alleles (0.000064%); highest among the groups gnomAD compares: African/African-American, 0.0014%; no homozygotes.

Submissions (2):

Labcorp Genetics (formerly Invitae), Labcorp
Classification: Uncertain significance for POLD1-related polyposis and colorectal cancer syndrome. Last evaluated: 2026-01-26. Review status: criteria provided, single submitter. Criteria: Invitae Variant Classification Sherloc (09022015). Collection method: clinical testing. Allele origin: germline.
Comment: This sequence change replaces leucine, which is neutral and non-polar, with glutamine, which is neutral and polar, at codon 58 of the POLD1 protein (p.Leu58Gln). This variant is not present in population databases (gnomAD no frequency). This variant has not been reported in the literature in individuals affected with POLD1-related conditions. ClinVar contains an entry for this variant (Variation ID: 2822726). An algorithm developed to predict the effect of missense changes on protein structure and function (PolyPhen-2) suggests that this variant is likely to be tolerated. In summary, the available evidence is currently insufficient to determine the role of this variant in disease. Therefore, it has been classified as a Variant of Uncertain Significance.

Ambry Genetics
Classification: Likely benign for Hereditary cancer-predisposing syndrome. Last evaluated: 2025-03-28. Review status: criteria provided, single submitter. Criteria: Ambry Variant Classification Scheme 2023. Collection method: clinical testing. Allele origin: germline.